The following is an entry in ClinVar:

ClinVar aggregate classification (germline): Uncertain significance. Review status: criteria provided, multiple submitters, no conflicts (2 of 4 stars). 3 submissions from 3 submitters: Uncertain significance (3). Last evaluated 2024-04-09.

Conditions:
Epilepsy, childhood absence, susceptibility to, 6. Identifiers: Orphanet 64280, MedGen C2749872, MONDO:0012763, OMIM 611942.
Hyperaldosteronism, familial, type IV (HALD4). Also called: FH IV; ALDOSTERONISM, PRIMARY, AND HYPERTENSION. Identifiers: Orphanet 642671, MedGen C4310756, MONDO:0014875, OMIM 617027.
Idiopathic generalized epilepsy. Also called: Generalised epilepsy; EIG. Identifiers: MedGen C0270850, MONDO:0005579, OMIM 600669.

Allele frequency attached by ClinVar (database versions not stated): gnomAD exomes below 0.00001.
gnomAD v4.1: 4 of 1,557,504 alleles (0.00026%); highest among the groups gnomAD compares: Non-Finnish European, 0.00035%; no homozygotes.

Submissions (3):

Fulgent Genetics
Classification: Uncertain significance for Epilepsy, childhood absence, susceptibility to, 6; Hyperaldosteronism, familial, type IV. Last evaluated: 2024-04-09. Review status: criteria provided, single submitter. Criteria: ACMG Guidelines, 2015. Collection method: clinical testing. Allele origin: germline.

Labcorp Genetics (formerly Invitae), Labcorp
Classification: Uncertain significance for Idiopathic generalized epilepsy; Hyperaldosteronism, familial, type IV. Last evaluated: 2021-02-03. Review status: criteria provided, single submitter. Criteria: Invitae Variant Classification Sherloc (09022015). Collection method: clinical testing. Allele origin: germline.
Comment: In summary, the available evidence is currently insufficient to determine the role of this variant in disease. Therefore, it has been classified as a Variant of Uncertain Significance. Advanced modeling of protein sequence and biophysical properties (such as structural, functional, and spatial information, amino acid conservation, physicochemical variation, residue mobility, and thermodynamic stability) performed at Invitae indicates that this missense variant is not expected to disrupt CACNA1H protein function. This variant has not been reported in the literature in individuals with CACNA1H-related conditions. ClinVar contains an entry for this variant (Variation ID: 377142). The frequency data for this variant in the population databases is considered unreliable, as metrics indicate insufficient coverage at this position in the ExAC database. This sequence change replaces proline with serine at codon 673 of the CACNA1H protein (p.Pro673Ser). The proline residue is weakly conserved and there is a moderate physicochemical difference between proline and serine.

Center for Pediatric Genomic Medicine, Children's Mercy Hospital and Clinics
Classification: Uncertain significance. Last evaluated: 2016-12-05. Review status: criteria provided, single submitter. Criteria: ACMG Guidelines, 2015. Collection method: clinical testing. Allele origin: germline.
ClinVar note: Converted during submission from Uncertain Significance to Uncertain significance.

NM_021098.3(CACNA1H):c.2017C>T (p.Pro673Ser)

Gene: CACNA1H (calcium voltage-gated channel subunit alpha1 H; plus strand). Cytogenetic location: 16p13.3.
Variant type: single nucleotide variant.
Coding change: c.2017C>T on transcript NM_021098.3 (MANE Select); coding-DNA position 2017, C replaced by T.
Protein change: p.Pro673Ser; replaces proline 673 with serine.
Molecular consequence: missense variant.
Genome position (GRCh38, 1-based): chr16:1,204,024, C>T. VCF-style: chr16-1204024-C-T. GRCh37 (hg19) VCF-style: chr16-1254024-C-T.
Other names: c.2017C>T, p.Pro673Ser (NM_001005407.2); short protein forms P673S.
Identifiers: ClinVar variation 377142 (VCV000377142.11), dbSNP rs1057520145, ClinGen allele CA16603282.
Genomic context (GRCh38, chr16:1,204,024, plus strand): 5'-CAGCACCACTGAGTGGGCCTGCCCCTGTCTGTGCCCTCTCCCGCAGGACTGGGCCAGGCC[C>T]CTGGCCATCTGTCGGGCCTCAGTGTGCCCTGCCCCCTGCCCAGCCCCCCAGCGGGCACAC-3'
Protein context (NP_066921.2, residues 663-683): VVGEHGLGQA[Pro673Ser]GHLSGLSVPC